The following is an entry in ClinVar:

ClinVar aggregate classification (germline): Benign. Review status: criteria provided, multiple submitters, no conflicts (2 of 4 stars). 2 submissions from 2 submitters: Benign (2). Last evaluated 2018-06-19.

Allele frequency attached by ClinVar (database versions not stated): gnomAD 0.25062 and 0.25583; TOPMed 0.25627; 1000 Genomes Project 30x 0.30887; 1000 Genomes Project 0.31510.
gnomAD v4.1: 203,082 of 736,476 alleles (28%); highest among the groups gnomAD compares: East Asian, 58%; 30,451 homozygotes.

Submissions (9):

GeneDx
Classification: Benign. Last evaluated: 2018-06-19. Review status: criteria provided, single submitter. Criteria: GeneDx Variant Classification (06012015). Collection method: clinical testing. Allele origin: germline. Affected: yes.
Comment: This variant is considered likely benign or benign based on one or more of the following criteria: it is a conservative change, it occurs at a poorly conserved position in the protein, it is predicted to be benign by multiple in silico algorithms, and/or has population frequency not consistent with disease.

Breakthrough Genomics
Classification: Benign. Review status: criteria provided, single submitter. Criteria: ACMG Guidelines, 2015. Collection method: not provided. Allele origin: germline. Inheritance: Autosomal recessive inheritance. Affected: yes.

Dr. Peter K. Rogan Lab, Western University
No classification provided (evidence only). Condition: Cholangiocarcinoma. Review status: no classification provided. Collection method: in vitro. Allele origin: not applicable. Functional consequence: retained intron. Not counted in ClinVar's aggregate classification.

Dr. Peter K. Rogan Lab, Western University
No classification provided (evidence only). Condition: Cholangiocarcinoma. Review status: no classification provided. Collection method: in vitro. Allele origin: not applicable. Functional consequence: retained intron. Not counted in ClinVar's aggregate classification.

Dr. Peter K. Rogan Lab, Western University
No classification provided (evidence only). Condition: Cholangiocarcinoma. Review status: no classification provided. Collection method: in vitro. Allele origin: not applicable. Functional consequence: retained intron. Not counted in ClinVar's aggregate classification.

Dr. Peter K. Rogan Lab, Western University
No classification provided (evidence only). Condition: Cholangiocarcinoma. Review status: no classification provided. Collection method: in vitro. Allele origin: not applicable. Functional consequence: retained intron. Not counted in ClinVar's aggregate classification.

Dr. Peter K. Rogan Lab, Western University
No classification provided (evidence only). Condition: Cholangiocarcinoma. Review status: no classification provided. Collection method: in vitro. Allele origin: not applicable. Functional consequence: retained intron. Not counted in ClinVar's aggregate classification.

Dr. Peter K. Rogan Lab, Western University
No classification provided (evidence only). Condition: Cholangiocarcinoma. Review status: no classification provided. Collection method: in vitro. Allele origin: not applicable. Functional consequence: retained intron. Not counted in ClinVar's aggregate classification.

Dr. Peter K. Rogan Lab, Western University
No classification provided (evidence only). Condition: Uterine carcinosarcoma. Review status: no classification provided. Collection method: in vitro. Allele origin: not applicable. Functional consequence: retained intron. Not counted in ClinVar's aggregate classification.

NM_000512.5(GALNS):c.567-145A>G

Gene: GALNS (galactosamine (N-acetyl)-6-sulfatase; minus strand). Cytogenetic location: 16q24.3.
Variant type: single nucleotide variant.
Coding change: c.567-145A>G on transcript NM_000512.5 (MANE Select); 145 bases into the intron before coding-DNA position 567, A replaced by G.
Molecular consequence: intron variant.
Genome position (GRCh38, 1-based): chr16:88,836,412, T>C on the plus strand (A>G on the coding strand, the complement: GALNS is on the minus strand). VCF-style: chr16-88836412-T-C. GRCh37 (hg19) VCF-style: chr16-88902820-T-C.
Other names: NC_000016.9:g.88902820T>C; c.12-145A>G (NM_001323543.2); c.585-145A>G (NM_001323544.2).
Identifiers: ClinVar variation 672058 (VCV000672058.3), dbSNP rs11076722, ClinGen allele CA14273549.
Genomic context (GRCh38, chr16:88,836,412, plus strand): 5'-GCTTCATTTAAAAGAAGGCTAGGGCTGGGCGTCATGGCTCATGCCTGTAATCCCAGCATT[T>C]TGGGAGGCTGAGGAAGGTGGATCATGAGGTCAGGAATTTGAGACCAGCCTGGGCAACATG-3'